The following is an entry in ClinVar:

ClinVar aggregate classification (germline): Benign (1 of 4 stars; one submission).

Allele frequency attached by ClinVar (database versions not stated): 1000 Genomes Project 30x 0.60915; 1000 Genomes Project 0.61322; TOPMed 0.66425; gnomAD 0.67816 and 0.67941.
gnomAD v4.1: 103,014 of 151,644 alleles (68%); highest among the groups gnomAD compares: Middle Eastern, 84%; 35,810 homozygotes.

Submission:

GeneDx
Classification: Benign. Last evaluated: 2018-06-16. Review status: criteria provided, single submitter. Criteria: GeneDx Variant Classification (06012015). Collection method: clinical testing. Allele origin: germline. Affected: yes.
Comment: This variant is considered likely benign or benign based on one or more of the following criteria: it is a conservative change, it occurs at a poorly conserved position in the protein, it is predicted to be benign by multiple in silico algorithms, and/or has population frequency not consistent with disease.

NM_002894.3(RBBP8):c.-98-343C>A

Gene: RBBP8 (RB binding protein 8, endonuclease; plus strand). Cytogenetic location: 18q11.2.
Variant type: single nucleotide variant.
Coding change: c.-98-343C>A on transcript NM_002894.3 (MANE Select); 343 bases into the intron before 98 bases upstream of the start codon, C replaced by A.
Molecular consequence: intron variant.
Genome position (GRCh38, 1-based): chr18:22,936,411, C>A. VCF-style: chr18-22936411-C-A. GRCh37 (hg19) VCF-style: chr18-20516374-C-A.
Other names: c.-98-343C>A (NM_203292.2, NM_203291.2).
Identifiers: ClinVar variation 684037 (VCV000684037.1), dbSNP rs7243256, ClinGen allele CA15929353.